The following is an entry in ClinVar:

ClinVar aggregate classification (germline): Uncertain significance (1 of 4 stars; one submission).

Conditions:
Neuronal ceroid lipofuscinosis 7 (CLN7). Also called: MFSD8-Related Neuronal Ceroid-Lipofuscinosis. Identifiers: Orphanet 168491, Orphanet 228366, MedGen C1838571, MONDO:0012588, OMIM 610951.

Allele frequency attached by ClinVar (database versions not stated): ExAC 0.00001.

Submission:

Labcorp Genetics (formerly Invitae), Labcorp
Classification: Uncertain significance for Neuronal ceroid lipofuscinosis 7. Last evaluated: 2022-02-12. Review status: criteria provided, single submitter. Criteria: Invitae Variant Classification Sherloc (09022015). Collection method: clinical testing. Allele origin: germline.
Comment: This sequence change replaces isoleucine, which is neutral and non-polar, with threonine, which is neutral and polar, at codon 384 of the MFSD8 protein (p.Ile384Thr). This variant is present in population databases (rs763730339, gnomAD 0.006%). This variant has not been reported in the literature in individuals affected with MFSD8-related conditions. Algorithms developed to predict the effect of missense changes on protein structure and function output the following: SIFT: "Tolerated"; PolyPhen-2: "Benign"; Align-GVGD: "Class C0". The threonine amino acid residue is found in multiple mammalian species, which suggests that this missense change does not adversely affect protein function. In summary, the available evidence is currently insufficient to determine the role of this variant in disease. Therefore, it has been classified as a Variant of Uncertain Significance.

NM_001371596.2(MFSD8):c.1151T>C (p.Ile384Thr)

Gene: MFSD8 (major facilitator superfamily domain containing 8; minus strand). Cytogenetic location: 4q28.2.
Variant type: single nucleotide variant.
Coding change: c.1151T>C on transcript NM_001371596.2 (MANE Select); coding-DNA position 1151, T replaced by C.
Protein change: p.Ile384Thr; replaces isoleucine 384 with threonine.
Molecular consequence: missense variant.
Genome position (GRCh38, 1-based): chr4:127,921,723, A>G on the plus strand (T>C on the coding strand, the complement: MFSD8 is on the minus strand). VCF-style: chr4-127921723-A-G. GRCh37 (hg19) VCF-style: chr4-128842878-A-G.
Other names: c.950T>C, p.Ile317Thr (NM_001363520.3); c.836T>C, p.Ile279Thr (NM_001363521.3); c.1016T>C, p.Ile339Thr (NM_001371590.2); c.1151T>C, p.Ile384Thr (NM_001371591.2, NM_152778.4); c.1157T>C, p.Ile386Thr (NM_001371592.2); c.1037T>C, p.Ile346Thr (NM_001371593.2); c.1004T>C, p.Ile335Thr (NM_001371594.2); c.869T>C, p.Ile290Thr (NM_001371595.1); and 2 more; short protein forms I335T, I339T, I279T, I317T, I290T, I346T, I384T, I234T.
Identifiers: ClinVar variation 2152899 (VCV002152899.1), dbSNP rs763730339, ClinGen allele CA3077278.